The following is an entry in ClinVar:

ClinVar aggregate classification (germline): Uncertain significance. Review status: criteria provided, multiple submitters, no conflicts (2 of 4 stars). 2 submissions from 2 submitters: Uncertain significance (2). Last evaluated 2025-08-23.

Allele frequency attached by ClinVar (database versions not stated): TOPMed below 0.00001.
gnomAD v4.1: 2 of 1,609,964 alleles (0.00012%); highest among the groups gnomAD compares: Non-Finnish European, 0.00017%; no homozygotes.

Submissions (2):

Labcorp Genetics (formerly Invitae), Labcorp
Classification: Uncertain significance. Last evaluated: 2025-08-23. Review status: criteria provided, single submitter. Criteria: Invitae Variant Classification Sherloc (09022015). Collection method: clinical testing. Allele origin: germline.
Comment: This sequence change replaces threonine, which is neutral and polar, with alanine, which is neutral and non-polar, at codon 547 of the RASA2 protein (p.Thr547Ala). This variant is not present in population databases (gnomAD no frequency). This variant has not been reported in the literature in individuals affected with RASA2-related conditions. ClinVar contains an entry for this variant (Variation ID: 2447624). Invitae Evidence Modeling of protein sequence and biophysical properties (such as structural, functional, and spatial information, amino acid conservation, physicochemical variation, residue mobility, and thermodynamic stability) indicates that this missense variant is not expected to disrupt RASA2 protein function with a negative predictive value of 80%. In summary, the available evidence is currently insufficient to determine the role of this variant in disease. Therefore, it has been classified as a Variant of Uncertain Significance.

Ambry Genetics
Classification: Uncertain significance. Last evaluated: 2023-01-16. Review status: criteria provided, single submitter. Criteria: Ambry Variant Classification Scheme 2023. Collection method: clinical testing. Allele origin: germline.
Comment: The p.T547A variant (also known as c.1639A>G), located in coding exon 16 of the RASA2 gene, results from an A to G substitution at nucleotide position 1639. The threonine at codon 547 is replaced by alanine, an amino acid with similar properties. This amino acid position is conserved. In addition, the in silico prediction for this alteration is inconclusive. Since supporting evidence is limited at this time, the clinical significance of this alteration remains unclear.

NM_006506.5(RASA2):c.1639A>G (p.Thr547Ala)

Gene: RASA2 (RAS p21 protein activator 2; plus strand). Cytogenetic location: 3q23.
Variant type: single nucleotide variant.
Coding change: c.1639A>G on transcript NM_006506.5 (MANE Select); coding-DNA position 1639, A replaced by G.
Protein change: p.Thr547Ala; replaces threonine 547 with alanine.
Molecular consequence: missense variant.
Genome position (GRCh38, 1-based): chr3:141,580,416, A>G. VCF-style: chr3-141580416-A-G. GRCh37 (hg19) VCF-style: chr3-141299258-A-G.
Other names: c.1639A>G, p.Thr547Ala (NM_001303245.3, NM_001303246.3); short protein forms T547A.
Identifiers: ClinVar variation 2447624 (VCV002447624.3), dbSNP rs1234300831, ClinGen allele CA354779804.